The following is an entry in ClinVar:

ClinVar aggregate classification (germline): Uncertain significance (1 of 4 stars; one submission).

Conditions:
NIK deficiency. Also called: Primary immunodeficiency with multifaceted aberrant lymphoid immunity. Identifiers: Orphanet 447731, MedGen C5680065, MONDO:0018642.

Allele frequency attached by ClinVar (database versions not stated): gnomAD exomes below 0.00001; TOPMed below 0.00001; ExAC 0.00001; gnomAD 0.00001.
gnomAD v4.1: 8 of 1,611,472 alleles (0.0005%); highest among the groups gnomAD compares: Non-Finnish European, 0.00068%; no homozygotes.

Submission:

Labcorp Genetics (formerly Invitae), Labcorp
Classification: Uncertain significance for NIK deficiency. Last evaluated: 2019-09-24. Review status: criteria provided, single submitter. Criteria: Invitae Variant Classification Sherloc (09022015). Collection method: clinical testing. Allele origin: germline.
Comment: This sequence change replaces proline with serine at codon 756 of the MAP3K14 protein (p.Pro756Ser). The proline residue is moderately conserved and there is a moderate physicochemical difference between proline and serine. In summary, the available evidence is currently insufficient to determine the role of this variant in disease. Therefore, it has been classified as a Variant of Uncertain Significance. Algorithms developed to predict the effect of missense changes on protein structure and function output the following: SIFT: "Tolerated"; PolyPhen-2: "Benign"; Align-GVGD: "C0". The serine amino acid residue is found in multiple mammalian species, suggesting that this missense change does not adversely affect protein function. These predictions have not been confirmed by published functional studies and their clinical significance is uncertain. This variant has not been reported in the literature in individuals with MAP3K14-related conditions. This variant is present in population databases (rs773403567, ExAC 0.002%).

NM_003954.5(MAP3K14):c.2266C>T (p.Pro756Ser)

Genes: MAP3K14 (mitogen-activated protein kinase kinase kinase 14; minus strand), MAP3K14-AS1 (MAP3K14 antisense RNA 1; plus strand), LOC126862575 (CDK7 strongly-dependent group 2 enhancer GRCh37_chr17:43344006-43345205; plus strand). Cytogenetic location: 17q21.31.
Variant type: single nucleotide variant.
Coding change: c.2266C>T on transcript NM_003954.5 (MANE Select); coding-DNA position 2266, C replaced by T.
Protein change: p.Pro756Ser; replaces proline 756 with serine.
Molecular consequence: missense variant.
Genome position (GRCh38, 1-based): chr17:45,267,466, G>A on the plus strand (C>T on the coding strand, the complement: MAP3K14 is on the minus strand). VCF-style: chr17-45267466-G-A. GRCh37 (hg19) VCF-style: chr17-43344833-G-A.
Other names: short protein forms P756S.
Identifiers: ClinVar variation 942501 (VCV000942501.6), dbSNP rs773403567, ClinGen allele CA8613927.